The following is an entry in ClinVar:

NM_001206927.2(DNAH8):c.8792C>G (p.Thr2931Ser)

Gene: DNAH8 (dynein axonemal heavy chain 8; plus strand). Cytogenetic location: 6p21.2.
Variant type: single nucleotide variant.
Coding change: c.8792C>G on transcript NM_001206927.2 (MANE Select); coding-DNA position 8792, C replaced by G.
Protein change: p.Thr2931Ser; replaces threonine 2931 with serine.
Molecular consequence: missense variant.
Genome position (GRCh38, 1-based): chr6:38,896,077, C>G. VCF-style: chr6-38896077-C-G. GRCh37 (hg19) VCF-style: chr6-38863853-C-G.
Other names: c.8141C>G, p.Thr2714Ser (NM_001371.4); short protein forms T2931S, T2714S.
Identifiers: ClinVar variation 650881 (VCV000650881.9), dbSNP rs372046397, ClinGen allele CA3790312.

ClinVar aggregate classification (germline): Uncertain significance (1 of 4 stars; one submission).

Conditions:
Primary ciliary dyskinesia. Also called: Ciliary dyskinesia. Identifiers: Orphanet 244, MedGen C0008780, MONDO:0016575, HP:0012265.

Allele frequency attached by ClinVar (database versions not stated): ExAC 0.00001; gnomAD exomes 0.00001; TOPMed 0.00002; gnomAD 0.00003 and 0.00004; ESP Exome Variant Server 0.00008.
gnomAD v4.1: 7 of 1,613,894 alleles (0.00043%); highest among the groups gnomAD compares: African/African-American, 0.0067%; no homozygotes.

Submission:

Labcorp Genetics (formerly Invitae), Labcorp
Classification: Uncertain significance for Primary ciliary dyskinesia. Last evaluated: 2018-10-25. Review status: criteria provided, single submitter. Criteria: Invitae Variant Classification Sherloc (09022015). Collection method: clinical testing. Allele origin: germline.
Comment: In summary, the available evidence is currently insufficient to determine the role of this variant in disease. Therefore, it has been classified as a Variant of Uncertain Significance. Algorithms developed to predict the effect of sequence changes on RNA splicing suggest that this variant may create or strengthen a splice site, but this prediction has not been confirmed by published transcriptional studies. Algorithms developed to predict the effect of missense changes on protein structure and function output the following: SIFT: "Tolerated"; PolyPhen-2: "Not available"; Align-GVGD: "Class C0". The serine amino acid residue is found in multiple mammalian species, suggesting that this missense change does not adversely affect protein function. These predictions have not been confirmed by published functional studies and their clinical significance is uncertain. This variant has not been reported in the literature in individuals with DNAH8-related disease. This variant is present in population databases (rs372046397, ExAC 0.01%). This sequence change replaces threonine with serine at codon 2931 of the DNAH8 protein (p.Thr2931Ser). The threonine residue is weakly conserved and there is a small physicochemical difference between threonine and serine.